The following is an entry in ClinVar:

NM_002863.5(PYGL):c.928C>T (p.Arg310Cys)

Gene: PYGL (glycogen phosphorylase L; minus strand). Cytogenetic location: 14q22.1.
Variant type: single nucleotide variant.
Coding change: c.928C>T on transcript NM_002863.5 (MANE Select); coding-DNA position 928, C replaced by T.
Protein change: p.Arg310Cys; replaces arginine 310 with cysteine.
Molecular consequence: missense variant.
Genome position (GRCh38, 1-based): chr14:50,917,033, G>A on the plus strand (C>T on the coding strand, the complement: PYGL is on the minus strand). VCF-style: chr14-50917033-G-A. GRCh37 (hg19) VCF-style: chr14-51383751-G-A.
Other names: c.826C>T, p.Arg276Cys (NM_001163940.2); short protein forms R310C, R276C.
Identifiers: ClinVar variation 526618 (VCV000526618.20), dbSNP rs35501326, ClinGen allele CA7183625.

ClinVar aggregate classification (germline): Benign. Review status: criteria provided, multiple submitters, no conflicts (2 of 4 stars). 4 submissions from 4 submitters: Benign (3). 1 of the submissions does not count toward it. Last evaluated 2026-01-27.

Conditions:
Glycogen storage disease, type VI (GSD6). Also called: Glycogen storage disease type 6; Hepatic glycogen phosphorylase deficiency; Glycogen storage disease type 6, due to phosphorylation; GSD VI; HERS DISEASE; PHOSPHORYLASE DEFICIENCY GLYCOGEN-STORAGE DISEASE OF LIVER. Identifiers: Orphanet 369, MedGen C0017925, MONDO:0009294, OMIM 232700.

Allele frequency attached by ClinVar (database versions not stated): gnomAD exomes 0.00071 and 0.00175; ExAC 0.00221; gnomAD 0.00704 and 0.00753; ESP Exome Variant Server 0.00761; TOPMed 0.00786; 1000 Genomes Project 30x 0.01015; 1000 Genomes Project 0.01018.

Submissions (4):

Labcorp Genetics (formerly Invitae), Labcorp
Classification: Benign for Glycogen storage disease, type VI. Last evaluated: 2026-01-27. Review status: criteria provided, single submitter. Criteria: Invitae Variant Classification Sherloc (09022015). Collection method: clinical testing. Allele origin: germline.

Illumina Laboratory Services, Illumina
Classification: Benign for Glycogen storage disease, type VI. Last evaluated: 2018-01-12. Review status: criteria provided, single submitter. Criteria: ICSL Variant Classification Criteria 13 December 2019. Collection method: clinical testing. Allele origin: germline.
Comment: This variant was observed in the ICSL laboratory as part of a predisposition screen in an ostensibly healthy population. It had not been previously curated by ICSL or reported in the Human Gene Mutation Database (HGMD: prior to June 1st, 2018), and was therefore a candidate for classification through an automated scoring system. Utilizing variant allele frequency, disease prevalence and penetrance estimates, and inheritance mode, an automated score was calculated to assess if this variant is too frequent to cause the disease. Based on the score and internal cut-off values, a variant classified as benign is not then subjected to further curation. The score for this variant resulted in a classification of benign for this disease.

Breakthrough Genomics
Classification: Benign. Review status: criteria provided, single submitter. Criteria: ACMG Guidelines, 2015. Collection method: not provided. Allele origin: germline. Inheritance: Autosomal recessive inheritance. Affected: yes.

Mayo Clinic Laboratories, Mayo Clinic
Classification: Likely benign. Last evaluated: 2017-05-24. Review status: no assertion criteria provided. Collection method: clinical testing. Allele origin: unknown. Not counted in ClinVar's aggregate classification.